The following is an entry in ClinVar:

NM_016222.4(DDX41):c.1075_1077del (p.Arg359del)

Gene: DDX41 (DEAD-box helicase 41; minus strand). Cytogenetic location: 5q35.3.
Variant type: Deletion.
Coding change: c.1075_1077del on transcript NM_016222.4 (MANE Select); coding-DNA positions 1075 to 1077, 3 bases deleted (CGT; older notation c.1075_1077delCGT).
Protein change: p.Arg359del; deletes arginine 359.
Genome position (GRCh38, 1-based): chr5:177,513,706-177,513,708, ACG deleted on the plus strand (CGT on the coding strand, the reverse complement: DDX41 is on the minus strand). VCF-style (leftmost placement, unchanged base first): chr5-177513705-TACG-T. GRCh37 (hg19) VCF-style: chr5-176940706-TACG-T.
Other names: c.697_699del, p.Arg233del (NM_001321732.2, NM_001321830.2); short protein forms R233del, R359del.
Identifiers: ClinVar variation 4826046 (VCV004826046.1).
Genomic context (GRCh38, chr5:177,513,705, plus strand): 5'-GGGGGCGGTGCAGGGTGCCCTGGCCGGGCGGGGGCGGCACCTTGAAGTAGGAGAAGATGG[TACG>T]GATGTCACCCTCGAAGCCCATGTCGATCATGCGGTCAGCCTCGTCCAGGGCCAGGTAGCG-3'

ClinVar aggregate classification (germline): Uncertain significance (1 of 4 stars; one submission).

Conditions:
Inborn genetic diseases. Identifiers: MedGen C0950123, MeSH D030342.

Submission:

Ambry Genetics
Classification: Uncertain significance for Inborn genetic diseases. Last evaluated: 2026-03-09. Review status: criteria provided, single submitter. Criteria: Ambry Variant Classification Scheme 2023. Collection method: clinical testing. Allele origin: germline.
Comment: The c.1075_1077delCGT variant (also known as p.R359del) is located in coding exon 10 of the DDX41 gene. This variant results from an in-frame CGT deletion at nucleotide positions 1075 to 1077. This results in the in-frame deletion of an arginine at codon 359. This amino acid position is highly conserved in available vertebrate species. In addition, this variant is predicted to be deleterious by in silico analysis (Choi Y et al. PLoS ONE. 2012; 7(10):e46688). Based on the available evidence, the clinical significance of this variant remains unclear.